The following is an entry in ClinVar:

NM_144666.3(DNHD1):c.13492_13493dup (p.Leu4499fs)

Gene: DNHD1 (dynein heavy chain domain 1; plus strand). Cytogenetic location: 11p15.4.
Variant type: Duplication.
Coding change: c.13492_13493dup on transcript NM_144666.3 (MANE Select); coding-DNA positions 13492 to 13493, 2 bases duplicated (AC; older notation c.13492_13493dupAC).
Protein change: p.Leu4499fs; shifts the reading frame from leucine 4499.
Molecular consequence: frameshift variant.
Genome position (GRCh38, 1-based): chr11:6,571,004-6,571,005, AC duplicated; duplicating any 2 consecutive bases within chr11:6,571,003-6,571,005 gives the same sequence; the c. name uses the placement nearest the transcript's 3' end. VCF-style (leftmost placement, unchanged base first): chr11-6571002-G-GCA. GRCh37 (hg19) VCF-style: chr11-6592232-G-GCA.
Other names: c.13492_13493dupAC (NM_144666.2); short protein forms L4499fs.
Identifiers: ClinVar variation 2082769 (VCV002082769.2), dbSNP rs553960466, ClinGen allele CA217297592.

ClinVar aggregate classification (germline): Pathogenic/Likely pathogenic. Review status: criteria provided, multiple submitters, no conflicts (2 of 4 stars). 2 submissions from 2 submitters: Pathogenic (1); Likely pathogenic (1). Last evaluated 2026-09-24.

Conditions:
DNHD1-related disorder. Also called: DNHD1-related condition.

Submissions (2):

PreventionGenetics, part of Exact Sciences
Classification: Likely pathogenic for DNHD1-related condition. Last evaluated: 2026-09-24. Review status: criteria provided, single submitter. Criteria: ACMG Guidelines, 2015. Collection method: clinical testing. Allele origin: germline.
Comment: The DNHD1 c.13492_13493dupAC variant is predicted to result in a frameshift and premature protein termination (p.Leu4499Argfs*13). To our knowledge, this variant has not been reported in the literature. This variant is reported in 0.0018% of alleles in individuals of European (Non-Finnish) descent in gnomAD. Frameshift variants in DNHD1 are expected to be pathogenic. This variant is interpreted as likely pathogenic.

Labcorp Genetics (formerly Invitae), Labcorp
Classification: Pathogenic. Last evaluated: 2022-06-28. Review status: criteria provided, single submitter. Criteria: Invitae Variant Classification Sherloc (09022015). Collection method: clinical testing. Allele origin: germline.
Comment: This sequence change creates a premature translational stop signal (p.Leu4499Argfs*13) in the DNHD1 gene. It is expected to result in an absent or disrupted protein product. Loss-of-function variants in DNHD1 are known to be pathogenic (PMID: 34932939). This variant is present in population databases (rs553960466, gnomAD 0.002%). This variant has not been reported in the literature in individuals affected with DNHD1-related conditions. For these reasons, this variant has been classified as Pathogenic.

Literature cited by the submitters: PubMed 34932939 (cited by Labcorp Genetics (formerly Invitae), Labcorp).